The following is an entry in ClinVar:

NM_001256545.2(MEGF10):c.2864A>C (p.Asn955Thr)

Gene: MEGF10 (multiple EGF like domains 10; plus strand). Cytogenetic location: 5q23.2.
Variant type: single nucleotide variant.
Coding change: c.2864A>C on transcript NM_001256545.2 (MANE Select); coding-DNA position 2864, A replaced by C.
Protein change: p.Asn955Thr; replaces asparagine 955 with threonine.
Molecular consequence: missense variant.
Genome position (GRCh38, 1-based): chr5:127,449,106, A>C. VCF-style: chr5-127449106-A-C. GRCh37 (hg19) VCF-style: chr5-126784798-A-C.
Other names: c.2864A>C, p.Asn955Thr (NM_032446.3); short protein forms N955T.
Identifiers: ClinVar variation 452896 (VCV000452896.8), dbSNP rs1353393054, ClinGen allele CA360735346.

ClinVar aggregate classification (germline): Uncertain significance. Review status: criteria provided, multiple submitters, no conflicts (2 of 4 stars). 2 submissions from 2 submitters: Uncertain significance (2). Last evaluated 2021-10-23.

Conditions:
MEGF10-related myopathy (CMYO10A). Also called: Congenital myopathy 10A, severe variant. Identifiers: Orphanet 439212, MedGen C3280679, MONDO:0013731, OMIM 614399.

Allele frequency attached by ClinVar (database versions not stated): gnomAD exomes below 0.00001; TOPMed 0.00001; gnomAD 0.00003.
gnomAD v4.1: 1 of 1,614,120 alleles (0.000062%); highest among the groups gnomAD compares: East Asian, 0.0022%; no homozygotes.

Submissions (2):

Labcorp Genetics (formerly Invitae), Labcorp
Classification: Uncertain significance for MEGF10-related myopathy. Last evaluated: 2021-10-23. Review status: criteria provided, single submitter. Criteria: Invitae Variant Classification Sherloc (09022015). Collection method: clinical testing. Allele origin: germline.
Comment: In summary, the available evidence is currently insufficient to determine the role of this variant in disease. Therefore, it has been classified as a Variant of Uncertain Significance. Algorithms developed to predict the effect of missense changes on protein structure and function (SIFT, PolyPhen-2, Align-GVGD) all suggest that this variant is likely to be tolerated. ClinVar contains an entry for this variant (Variation ID: 452896). This variant has not been reported in the literature in individuals affected with MEGF10-related conditions. This variant is present in population databases (no rsID available, gnomAD 0.01%). This sequence change replaces asparagine, which is neutral and polar, with threonine, which is neutral and polar, at codon 955 of the MEGF10 protein (p.Asn955Thr).

GeneDx
Classification: Uncertain significance. Last evaluated: 2017-10-23. Review status: criteria provided, single submitter. Criteria: GeneDx Variant Classification (06012015). Collection method: clinical testing. Allele origin: germline. Affected: yes.
Comment: The N955T variant has not been published as a pathogenic variant, nor has it been reported as a benign variant to our knowledge. The N955T variant is not observed at a significant frequency in large population cohorts (Lek et al., 2016). This variant is a conservative amino acid substitution, which is not likely to impact secondary protein structure as these residues share similar properties. This substitution occurs at a position that is not conserved. In silico analysis is inconsistent in its predictions as to whether or not the variant is damaging to the protein structure/function.